The following is an entry in ClinVar:

ClinVar aggregate classification (germline): Uncertain significance. Review status: criteria provided, multiple submitters, no conflicts (2 of 4 stars). 5 submissions from 4 submitters: Uncertain significance (5). Last evaluated 2025-06-18.

Conditions:
Inborn genetic diseases. Identifiers: MedGen C0950123, MeSH D030342.
Atrichia with papular lesions (APL). Also called: PAPULAR ATRICHIA. Identifiers: Orphanet 86819, MedGen C1859592, MONDO:0008847, OMIM 209500.
Alopecia universalis congenita (ALUNC). Also called: ATRICHIA, GENERALIZED. Identifiers: Orphanet 701, MedGen C1859877, MONDO:0008757, OMIM 203655.

Allele frequency attached by ClinVar (database versions not stated): ExAC 0.00016; gnomAD exomes 0.00018; TOPMed 0.00036; gnomAD 0.00037 and 0.00042.

Submissions (5):

Ambry Genetics
Classification: Uncertain significance for Inborn genetic diseases. Last evaluated: 2025-06-18. Review status: criteria provided, single submitter. Criteria: Ambry Variant Classification Scheme 2023. Collection method: clinical testing. Allele origin: germline.

Labcorp Genetics (formerly Invitae), Labcorp
Classification: Uncertain significance. Last evaluated: 2025-05-05. Review status: criteria provided, single submitter. Criteria: Invitae Variant Classification Sherloc (09022015). Collection method: clinical testing. Allele origin: germline.
Comment: This sequence change replaces valine, which is neutral and non-polar, with glycine, which is neutral and non-polar, at codon 449 of the HR protein (p.Val449Gly). This variant is present in population databases (rs144744042, gnomAD 0.04%). This variant has not been reported in the literature in individuals affected with HR-related conditions. ClinVar contains an entry for this variant (Variation ID: 362520). An algorithm developed to predict the effect of missense changes on protein structure and function (PolyPhen-2) suggests that this variant is likely to be tolerated. In summary, the available evidence is currently insufficient to determine the role of this variant in disease. Therefore, it has been classified as a Variant of Uncertain Significance.

GeneDx
Classification: Uncertain significance. Last evaluated: 2022-10-18. Review status: criteria provided, single submitter. Criteria: GeneDx Variant Classification Process June 2021. Collection method: clinical testing. Allele origin: germline. Affected: yes.
Comment: In silico analysis supports that this missense variant does not alter protein structure/function; Has not been previously published as pathogenic or benign to our knowledge

Illumina Laboratory Services, Illumina
Classification: Uncertain significance for Alopecia universalis congenita. Last evaluated: 2018-01-13. Review status: criteria provided, single submitter. Criteria: ICSL Variant Classification Criteria 13 December 2019. Collection method: clinical testing. Allele origin: germline.

Illumina Laboratory Services, Illumina
Classification: Uncertain significance for Atrichia with papular lesions. Last evaluated: 2018-01-13. Review status: criteria provided, single submitter. Criteria: ICSL Variant Classification Criteria 13 December 2019. Collection method: clinical testing. Allele origin: germline.

NM_005144.5(HR):c.1346T>G (p.Val449Gly)

Gene: HR (HR lysine demethylase and nuclear receptor corepressor; minus strand). Cytogenetic location: 8p21.3.
Variant type: single nucleotide variant.
Coding change: c.1346T>G on transcript NM_005144.5 (MANE Select); coding-DNA position 1346, T replaced by G.
Protein change: p.Val449Gly; replaces valine 449 with glycine.
Molecular consequence: missense variant.
Genome position (GRCh38, 1-based): chr8:22,127,096, A>C on the plus strand (T>G on the coding strand, the complement: HR is on the minus strand). VCF-style: chr8-22127096-A-C. GRCh37 (hg19) VCF-style: chr8-21984609-A-C.
Other names: c.1346T>G, p.Val449Gly (NM_018411.4); short protein forms V449G.
Identifiers: ClinVar variation 362520 (VCV000362520.11), dbSNP rs144744042, ClinGen allele CA4662507.